The following is an entry in ClinVar:

ClinVar aggregate classification (germline): Likely benign (1 of 4 stars; one submission).

gnomAD v4.1: 223 of 1,606,980 alleles (0.014%); highest among the groups gnomAD compares: Non-Finnish European, 0.018%; 1 homozygote.

Submission:

CeGaT Center for Human Genetics Tuebingen
Classification: Likely benign. Last evaluated: 2024-11-01. Review status: criteria provided, single submitter. Criteria: CeGaT Center For Human Genetics Tuebingen Variant Classification Criteria Version 2. Collection method: clinical testing. Allele origin: germline. Affected: yes. Observed: 1 variant allele.
Comment: PLCZ1: BP4, BP7

NM_033123.4(PLCZ1):c.420A>C (p.Ser140=)

Genes: PIK3C2G (phosphatidylinositol-4-phosphate 3-kinase catalytic subunit type 2 gamma; plus strand), PLCZ1 (phospholipase C zeta 1; minus strand). Cytogenetic location: 12p12.3.
Variant type: single nucleotide variant.
Coding change: c.420A>C on transcript NM_033123.4 (MANE Select); coding-DNA position 420, A replaced by C.
Protein change: p.Ser140=; no amino-acid change (serine 140 retained).
Molecular consequence: synonymous variant. On other transcripts: intron variant (1).
Genome position (GRCh38, 1-based): chr12:18,719,580, T>G on the plus strand (A>C on the coding strand, the complement: PLCZ1 is on the minus strand). VCF-style: chr12-18719580-T-G. GRCh37 (hg19) VCF-style: chr12-18872514-T-G.
Other names: c.108A>C, p.Ser36= (NM_001330774.2); c.136-14265A>C (NM_001330769.1).
Identifiers: ClinVar variation 3388635 (VCV003388635.14).